The following is an entry in ClinVar:

ClinVar aggregate classification (germline): Conflicting classifications of pathogenicity. Review status: criteria provided, conflicting classifications (1 of 4 stars). 4 submissions from 4 submitters: Uncertain significance (3); Likely benign (1). Last evaluated 2026-02-17.

Conditions:
Mucopolysaccharidosis, MPS-III-A (MPS3A). Also called: Mucopolysaccharidosis, type IIIA; mucopolysaccharidosis type 3A; MPS IIIA (Sanfilippo Syndrome Type A); HEPARAN SULFATE SULFATASE DEFICIENCY; Mucopolysaccharidosis type IIIA (Sanfilippo A); SANFILIPPO SYNDROME A. Identifiers: Orphanet 581, Orphanet 79269, MedGen C0086647, MONDO:0009655, OMIM 252900.
Inborn genetic diseases. Identifiers: MedGen C0950123, MeSH D030342.

Allele frequency attached by ClinVar (database versions not stated): gnomAD exomes 0.00013; 1000 Genomes Project 0.00060; 1000 Genomes Project 30x 0.00062.

Submissions (4):

GeneDx
Classification: Uncertain significance. Last evaluated: 2026-02-17. Review status: criteria provided, single submitter. Criteria: GeneDx Variant Classification Process June 2021. Collection method: clinical testing. Allele origin: germline.
Comment: In silico analysis suggests that this missense variant does not alter protein structure/function; Has not been previously published as pathogenic or benign to our knowledge

Ambry Genetics
Classification: Likely benign for Inborn genetic diseases. Last evaluated: 2025-10-07. Review status: criteria provided, single submitter. Criteria: Ambry Variant Classification Scheme 2023. Collection method: clinical testing. Allele origin: germline.

Labcorp Genetics (formerly Invitae), Labcorp
Classification: Uncertain significance for Mucopolysaccharidosis, MPS-III-A. Last evaluated: 2022-07-17. Review status: criteria provided, single submitter. Criteria: Invitae Variant Classification Sherloc (09022015). Collection method: clinical testing. Allele origin: germline.
Comment: This sequence change replaces alanine, which is neutral and non-polar, with threonine, which is neutral and polar, at codon 7 of the SGSH protein (p.Ala7Thr). This variant is present in population databases (rs548145029, gnomAD 0.07%). This variant has not been reported in the literature in individuals affected with SGSH-related conditions. ClinVar contains an entry for this variant (Variation ID: 1355556). Algorithms developed to predict the effect of missense changes on protein structure and function output the following: SIFT: "Tolerated"; PolyPhen-2: "Not Available"; Align-GVGD: "Class C0". The threonine amino acid residue is found in multiple mammalian species, which suggests that this missense change does not adversely affect protein function. In summary, the available evidence is currently insufficient to determine the role of this variant in disease. Therefore, it has been classified as a Variant of Uncertain Significance.

Revvity Omics, Revvity
Classification: Uncertain significance for Mucopolysaccharidosis, MPS-III-A. Last evaluated: 2021-08-05. Review status: criteria provided, single submitter. Criteria: ACMG Guidelines, 2015. Collection method: clinical testing. Allele origin: germline.

NM_000199.5(SGSH):c.19G>A (p.Ala7Thr)

Genes: SGSH (N-sulfoglucosamine sulfohydrolase; minus strand), LOC130061900 (ATAC-STARR-seq lymphoblastoid silent region 9102; plus strand). Cytogenetic location: 17q25.3.
Variant type: single nucleotide variant.
Coding change: c.19G>A on transcript NM_000199.5 (MANE Select); coding-DNA position 19, G replaced by A.
Protein change: p.Ala7Thr; replaces alanine 7 with threonine.
Molecular consequence: missense variant. On other transcripts: non-coding transcript variant (1).
Genome position (GRCh38, 1-based): chr17:80,220,295, C>T on the plus strand (G>A on the coding strand, the complement: SGSH is on the minus strand). VCF-style: chr17-80220295-C-T. GRCh37 (hg19) VCF-style: chr17-78194094-C-T.
Other names: c.19G>A, p.Ala7Thr (NM_001352921.3, NM_001352922.2); c.19G>A (NM_000199.3); short protein forms A7T.
Identifiers: ClinVar variation 1355556 (VCV001355556.7), dbSNP rs548145029, ClinGen allele CA294901185.